The following is an entry in ClinVar:

NM_001164508.2(NEB):c.7465A>G (p.Thr2489Ala)

Gene: NEB (nebulin; minus strand). Cytogenetic location: 2q23.3.
Variant type: single nucleotide variant.
Coding change: c.7465A>G on transcript NM_001164508.2 (MANE Select); coding-DNA position 7465, A replaced by G.
Protein change: p.Thr2489Ala; replaces threonine 2489 with alanine.
Molecular consequence: missense variant.
Genome position (GRCh38, 1-based): chr2:151,646,201, T>C on the plus strand (A>G on the coding strand, the complement: NEB is on the minus strand). VCF-style: chr2-151646201-T-C. GRCh37 (hg19) VCF-style: chr2-152502715-T-C.
Other names: c.7465A>G, p.Thr2489Ala (NM_001271208.2, NM_004543.5, NM_001164507.2); short protein forms T2489A.
Identifiers: ClinVar variation 1514486 (VCV001514486.5), dbSNP rs1321334284, ClinGen allele CA348785217.

ClinVar aggregate classification (germline): Uncertain significance (1 of 4 stars; one submission).

Conditions:
Nemaline myopathy 2 (NEM2). Also called: Nemaline myopathy 2, autosomal recessive. Identifiers: MedGen C1850569, MONDO:0009725, OMIM 256030.

Allele frequency attached by ClinVar (database versions not stated): gnomAD exomes below 0.00001; TOPMed below 0.00001; gnomAD 0.00001.
gnomAD v4.1: 1 of 1,602,764 alleles (0.000062%); highest among the groups gnomAD compares: African/African-American, 0.0013%; no homozygotes.

Submission:

Labcorp Genetics (formerly Invitae), Labcorp
Classification: Uncertain significance for Nemaline myopathy 2. Last evaluated: 2021-09-17. Review status: criteria provided, single submitter. Criteria: Invitae Variant Classification Sherloc (09022015). Collection method: clinical testing. Allele origin: germline.
Comment: This sequence change replaces threonine with alanine at codon 2489 of the NEB protein (p.Thr2489Ala). The threonine residue is moderately conserved and there is a small physicochemical difference between threonine and alanine. This variant is not present in population databases (ExAC no frequency). This variant has not been reported in the literature in individuals with NEB-related conditions. Algorithms developed to predict the effect of missense changes on protein structure and function are either unavailable or do not agree on the potential impact of this missense change (SIFT: "Deleterious"; PolyPhen-2: "Not Available"; Align-GVGD: "Class C0"). In summary, the available evidence is currently insufficient to determine the role of this variant in disease. Therefore, it has been classified as a Variant of Uncertain Significance.